The following is an entry in ClinVar:

ClinVar aggregate classification (germline): Uncertain significance (1 of 4 stars; one submission).

Allele frequency attached by ClinVar (database versions not stated): gnomAD exomes below 0.00001; TOPMed 0.00001.
gnomAD v4.1: 2 of 1,611,860 alleles (0.00012%); highest among the groups gnomAD compares: South Asian, 0.0011%; no homozygotes.

Submission:

GeneDx
Classification: Uncertain significance. Last evaluated: 2017-10-05. Review status: criteria provided, single submitter. Criteria: GeneDx Variant Classification (06012015). Collection method: clinical testing. Allele origin: germline. Affected: yes.
Comment: The M254V variant has not been published as a pathogenic variant, nor has it been reported as a benign variant to our knowledge. The M254V variant is not observed at a significant frequency in large population cohorts (Lek et al., 2016). The M254V variant is a conservative amino acid substitution, which is not likely to impact secondary protein structure as these residues share similar properties. This substitution occurs at a position where amino acids with similar properties to Methionine are tolerated across species and in silico analysis predicts this variant is probably damaging to the protein structure/function. In summary, based on the currently available information, it is unclear whether this variant is a pathogenic variant or a rare benign variant.

NM_003850.3(SUCLA2):c.760A>G (p.Met254Val)

Gene: SUCLA2 (succinate-CoA ligase ADP-forming subunit beta; minus strand). Cytogenetic location: 13q14.2.
Variant type: single nucleotide variant.
Coding change: c.760A>G on transcript NM_003850.3 (MANE Select); coding-DNA position 760, A replaced by G.
Protein change: p.Met254Val; replaces methionine 254 with valine.
Molecular consequence: missense variant.
Genome position (GRCh38, 1-based): chr13:47,968,637, T>C on the plus strand (A>G on the coding strand, the complement: SUCLA2 is on the minus strand). VCF-style: chr13-47968637-T-C. GRCh37 (hg19) VCF-style: chr13-48542772-T-C.
Other names: short protein forms M254V.
Identifiers: ClinVar variation 452596 (VCV000452596.2), dbSNP rs1335961741, ClinGen allele CA388149123.